The following is an entry in ClinVar:

ClinVar aggregate classification (germline): Likely benign (1 of 4 stars; one submission).

Submission:

CeGaT Center for Human Genetics Tuebingen
Classification: Likely benign. Last evaluated: 2025-10-01. Review status: criteria provided, single submitter. Criteria: CeGaT Center For Human Genetics Tuebingen Variant Classification Criteria Version 2. Collection method: clinical testing. Allele origin: germline. Affected: yes. Observed: 1 variant allele.
Comment: TRIO: PM2:Supporting, BP4, BP7

NM_007118.4(TRIO):c.8439T>C (p.Cys2813=)

Gene: TRIO (trio Rho guanine nucleotide exchange factor; plus strand). Cytogenetic location: 5p15.2.
Variant type: single nucleotide variant.
Coding change: c.8439T>C on transcript NM_007118.4 (MANE Select); coding-DNA position 8439, T replaced by C.
Protein change: p.Cys2813=; no amino-acid change (cysteine 2813 retained).
Molecular consequence: synonymous variant. On other transcripts: non-coding transcript variant (1).
Genome position (GRCh38, 1-based): chr5:14,504,420, T>C. VCF-style: chr5-14504420-T-C. GRCh37 (hg19) VCF-style: chr5-14504529-T-C.
Identifiers: ClinVar variation 4534980 (VCV004534980.6).